The following is an entry in ClinVar:

NM_001001957.2(OR2W3):c.763A>G (p.Ile255Val)

Gene: OR2W3 (olfactory receptor family 2 subfamily W member 3; plus strand). Cytogenetic location: 1q44.
Variant type: single nucleotide variant.
Coding change: c.763A>G on transcript NM_001001957.2 (MANE Select); coding-DNA position 763, A replaced by G.
Protein change: p.Ile255Val; replaces isoleucine 255 with valine.
Molecular consequence: missense variant.
Genome position (GRCh38, 1-based): chr1:247,896,349, A>G. VCF-style: chr1-247896349-A-G. GRCh37 (hg19) VCF-style: chr1-248059651-A-G.
Other names: short protein forms I255V.
Identifiers: ClinVar variation 1961376 (VCV001961376.6), dbSNP rs760074912, ClinGen allele CA1498677.

ClinVar aggregate classification (germline): Uncertain significance. Review status: criteria provided, multiple submitters, no conflicts (2 of 4 stars). 2 submissions from 2 submitters: Uncertain significance (2). Last evaluated 2025-12-17.

Allele frequency attached by ClinVar (database versions not stated): ExAC 0.00007; TOPMed below 0.00001.

Submissions (2):

Labcorp Genetics (formerly Invitae), Labcorp
Classification: Uncertain significance. Last evaluated: 2025-12-17. Review status: criteria provided, single submitter. Criteria: Invitae Variant Classification Sherloc (09022015). Collection method: clinical testing. Allele origin: germline.
Comment: This sequence change replaces isoleucine, which is neutral and non-polar, with valine, which is neutral and non-polar, at codon 255 of the OR2W3 protein (p.Ile255Val). This variant is present in population databases (rs760074912, gnomAD 0.03%). This variant has not been reported in the literature in individuals affected with OR2W3-related conditions. ClinVar contains an entry for this variant (Variation ID: 1961376). An algorithm developed to predict the effect of missense changes on protein structure and function (PolyPhen-2) suggests that this variant is likely to be tolerated. In summary, the available evidence is currently insufficient to determine the role of this variant in disease. Therefore, it has been classified as a Variant of Uncertain Significance.

Ambry Genetics
Classification: Uncertain significance. Last evaluated: 2025-08-26. Review status: criteria provided, single submitter. Criteria: Ambry Variant Classification Scheme 2023. Collection method: clinical testing. Allele origin: germline.